The following is an entry in ClinVar:

NM_000334.4(SCN4A):c.1759T>G (p.Cys587Gly)

Gene: SCN4A (sodium voltage-gated channel alpha subunit 4; minus strand). Cytogenetic location: 17q23.3.
Variant type: single nucleotide variant.
Coding change: c.1759T>G on transcript NM_000334.4 (MANE Select); coding-DNA position 1759, T replaced by G.
Protein change: p.Cys587Gly; replaces cysteine 587 with glycine.
Molecular consequence: missense variant.
Genome position (GRCh38, 1-based): chr17:63,961,279, A>C on the plus strand (T>G on the coding strand, the complement: SCN4A is on the minus strand). VCF-style: chr17-63961279-A-C. GRCh37 (hg19) VCF-style: chr17-62038639-A-C.
Other names: short protein forms C587G.
Identifiers: ClinVar variation 2876139 (VCV002876139.3), dbSNP rs2509310864, ClinGen allele CA400633124.
Genomic context (GRCh38, chr17:63,961,279, plus strand): 5'-CAAAGTGCTCCGTCATGGGGTAATGTTCCATGGCCATGAAGAGGGTGTTGAGCACGATGC[A>C]GATGGTGATGCCCAGGTCCACGAACGGGTCCATGACGATCAGGTGGATGATGTTCTTGAA-3'
Protein context (NP_000325.4, residues 577-597): DPFVDLGITI[Cys587Gly]IVLNTLFMAM

ClinVar aggregate classification (germline): Uncertain significance (1 of 4 stars; one submission).

Conditions:
Hyperkalemic periodic paralysis. Also called: Familial hyperkalemic periodic paralysis; Gamstorp disease. Identifiers: Orphanet 682, MedGen C0238357, MONDO:0008224, OMIM 170500, HP:0007215.

Allele frequency attached by ClinVar (database versions not stated): gnomAD exomes below 0.00001.

Submission:

Labcorp Genetics (formerly Invitae), Labcorp
Classification: Uncertain significance for Hyperkalemic periodic paralysis. Last evaluated: 2023-12-20. Review status: criteria provided, single submitter. Criteria: Invitae Variant Classification Sherloc (09022015). Collection method: clinical testing. Allele origin: germline.
Comment: This sequence change replaces cysteine, which is neutral and slightly polar, with glycine, which is neutral and non-polar, at codon 587 of the SCN4A protein (p.Cys587Gly). This variant is not present in population databases (gnomAD no frequency). This variant has not been reported in the literature in individuals affected with SCN4A-related conditions. Advanced modeling of protein sequence and biophysical properties (such as structural, functional, and spatial information, amino acid conservation, physicochemical variation, residue mobility, and thermodynamic stability) performed at Invitae indicates that this missense variant is expected to disrupt SCN4A protein function with a positive predictive value of 95%. In summary, the available evidence is currently insufficient to determine the role of this variant in disease. Therefore, it has been classified as a Variant of Uncertain Significance.